The following is an entry in ClinVar:

ClinVar aggregate classification (germline): Conflicting classifications of pathogenicity. Review status: criteria provided, conflicting classifications (1 of 4 stars). 3 submissions from 3 submitters: Likely pathogenic (1); Uncertain significance (2). Last evaluated 2025-08-20.

Conditions:
Developmental and epileptic encephalopathy, 6A. Also called: Developmental and epileptic encephalopathy, 6; Early Infantile Epileptic Encephalopathy 6; SCN1A-Related Severe Myoclonic Epilepsy in Infancy. Identifiers: MedGen CN293401, MONDO:0100079.
Early-infantile DEE. Also called: Early infantile epileptic encephalopathy; Early infantile epileptic encephalopathy with suppression bursts; Ohtahara syndrome. Identifiers: Orphanet 1934, MedGen C0393706, MONDO:0800491.

Allele frequency attached by ClinVar (database versions not stated): gnomAD exomes below 0.00001; TOPMed below 0.00001.
gnomAD v4.1: 2 of 1,613,632 alleles (0.00012%); no homozygotes.

Submissions (3):

Labcorp Genetics (formerly Invitae), Labcorp
Classification: Uncertain significance for Early-infantile DEE. Last evaluated: 2025-08-20. Review status: criteria provided, single submitter. Criteria: Invitae Variant Classification Sherloc (09022015). Collection method: clinical testing. Allele origin: germline.
Comment: This sequence change replaces serine, which is neutral and polar, with threonine, which is neutral and polar, at codon 364 of the SCN1A protein (p.Ser364Thr). This variant is not present in population databases (gnomAD no frequency). This variant has not been reported in the literature in individuals affected with SCN1A-related conditions. ClinVar contains an entry for this variant (Variation ID: 1022059). Invitae Evidence Modeling of protein sequence and biophysical properties (such as structural, functional, and spatial information, amino acid conservation, physicochemical variation, residue mobility, and thermodynamic stability) indicates that this missense variant is expected to disrupt SCN1A protein function with a positive predictive value of 95%. In summary, the available evidence is currently insufficient to determine the role of this variant in disease. Therefore, it has been classified as a Variant of Uncertain Significance.

GeneDx
Classification: Likely pathogenic. Last evaluated: 2025-04-07. Review status: criteria provided, single submitter. Criteria: GeneDx Variant Classification Process June 2021. Collection method: clinical testing. Allele origin: germline. Affected: yes.
Comment: Has not been previously published as pathogenic or benign to our knowledge; Not observed at significant frequency in large population cohorts (gnomAD); In silico analysis supports that this missense variant has a deleterious effect on protein structure/function; This substitution is predicted to be within the extracellular loop between the S5 and S6 transmembrane segments of the first homologous domain

Victorian Clinical Genetics Services, Murdoch Childrens Research Institute
Classification: Uncertain significance for Developmental and epileptic encephalopathy, 6A. Last evaluated: 2024-09-20. Review status: criteria provided, single submitter. Criteria: ACMG Guidelines, 2015. Collection method: clinical testing. Allele origin: germline. Inheritance: Autosomal dominant inheritance. Affected: yes.
Comment: Based on the classification scheme VCGS_Germline_v1.3.4, this variant is classified as VUS-3A. Following criteria are met: 0103 - Loss of function and gain of function are known mechanisms of disease in this gene and are associated with SCN1A-related epilepsy (PMID: 28488083). (I) 0107 - This gene is associated with autosomal dominant disease. (I) 0112 - The condition associated with this gene has incomplete penetrance (PMID: 20301494). (I) 0115 - Variants in this gene are known to have variable expressivity. Inter-familial and intra-familial variable expressivity has been observed (PMID: 20301494). (I) 0200 - Variant is predicted to result in a missense amino acid change from serine to threonine. (I) 0251 - This variant is heterozygous. (I) 0301 - Variant is absent from gnomAD (both v2 and v3). (SP) 0501 - Missense variant consistently predicted to be damaging by multiple in silico tools or highly conserved with a major amino acid change. (SP) 0603 - Missense variant in a region that is highly intolerant to missense variation (high constraint region in DECIPHER). (SP) 0710 - Other missense variants comparable to the one identified in this case have inconclusive previous evidence for pathogenicity. p.(Ser364Ile) has been classified once as likely pathogenic and once as VUS in ClinVar, p.(Ser364Asn) has been classified once as VUS in ClinVar, p.(Ser364Arg) has been classified as likely pathogenic and VUS in ClinVar, and has been observed in two individuals with Dravet syndrome with early onset parkinsonian features (PMID: 28186331). (I) 0809 - Previous evidence of pathogenicity for this variant is inconclusive. ClinVar contains one VUS entry for this variant, however it is difficult to establish if this entry is related to our patient. (I) 0905 - No published segregation evidence has been identified for this variant. (I) 1007 - No published functional evidence has been identified for this variant. (I) Legend: (SP) - Supporting pathogenic, (I) - Information, (SB) - Supporting benign

Literature cited by the submitters: PubMed 20301494 (cited by Victorian Clinical Genetics Services, Murdoch Childrens Research Institute); PubMed 28186331 (cited by Victorian Clinical Genetics Services, Murdoch Childrens Research Institute); PubMed 28488083 (cited by Victorian Clinical Genetics Services, Murdoch Childrens Research Institute); PubMed 34174751 (cited by Victorian Clinical Genetics Services, Murdoch Childrens Research Institute); PubMed 34917021 (cited by Victorian Clinical Genetics Services, Murdoch Childrens Research Institute).

NM_001165963.4(SCN1A):c.1091G>C (p.Ser364Thr)

Gene: SCN1A (sodium voltage-gated channel alpha subunit 1; minus strand). Cytogenetic location: 2q24.3.
Variant type: single nucleotide variant.
Coding change: c.1091G>C on transcript NM_001165963.4 (MANE Select); coding-DNA position 1091, G replaced by C.
Protein change: p.Ser364Thr; replaces serine 364 with threonine.
Molecular consequence: missense variant. On other transcripts: 5 prime UTR variant (1), non-coding transcript variant (1).
Genome position (GRCh38, 1-based): chr2:166,047,706, C>G on the plus strand (G>C on the coding strand, the complement: SCN1A is on the minus strand). VCF-style: chr2-166047706-C-G. GRCh37 (hg19) VCF-style: chr2-166904216-C-G.
Other names: c.1091G>C, p.Ser364Thr (NM_001353955.2, NM_001353957.2, NM_001353958.2 and 10 more transcripts); c.-1335G>C (NM_001353961.2); c.1091G>C (NM_001165963.1, NM_001165963.2); short protein forms S364T.
Identifiers: ClinVar variation 1022059 (VCV001022059.12), dbSNP rs752775574, ClinGen allele CA349071268.